The following is an entry in ClinVar:

NM_015164.4(PLEKHM2):c.1115C>G (p.Pro372Arg)

Gene: PLEKHM2 (pleckstrin homology and RUN domain containing M2; plus strand). Cytogenetic location: 1p36.21.
Variant type: single nucleotide variant.
Coding change: c.1115C>G on transcript NM_015164.4 (MANE Select); coding-DNA position 1115, C replaced by G.
Protein change: p.Pro372Arg; replaces proline 372 with arginine.
Molecular consequence: missense variant.
Genome position (GRCh38, 1-based): chr1:15,727,187, C>G. VCF-style: chr1-15727187-C-G. GRCh37 (hg19) VCF-style: chr1-16053682-C-G.
Other names: c.1055C>G, p.Pro352Arg (NM_001410755.1); short protein forms P372R, P352R.
Identifiers: ClinVar variation 2077393 (VCV002077393.4), dbSNP rs199741495, ClinGen allele CA616860.

ClinVar aggregate classification (germline): Uncertain significance (1 of 4 stars; one submission).

gnomAD v4.1: 2 of 1,605,764 alleles (0.00012%); highest among the groups gnomAD compares: African/African-American, 0.0013%; no homozygotes.

Submission:

Labcorp Genetics (formerly Invitae), Labcorp
Classification: Uncertain significance. Last evaluated: 2022-01-20. Review status: criteria provided, single submitter. Criteria: Invitae Variant Classification Sherloc (09022015). Collection method: clinical testing. Allele origin: germline.
Comment: This variant is present in population databases (rs199741495, gnomAD 0.007%). This sequence change replaces proline, which is neutral and non-polar, with arginine, which is basic and polar, at codon 372 of the PLEKHM2 protein (p.Pro372Arg). This variant has not been reported in the literature in individuals affected with PLEKHM2-related conditions. In summary, the available evidence is currently insufficient to determine the role of this variant in disease. Therefore, it has been classified as a Variant of Uncertain Significance. Algorithms developed to predict the effect of missense changes on protein structure and function (SIFT, PolyPhen-2, Align-GVGD) all suggest that this variant is likely to be tolerated.